The following is an entry in ClinVar:

NM_206933.4(USH2A):c.11299A>T (p.Thr3767Ser)

Gene: USH2A (usherin; minus strand). Cytogenetic location: 1q41.
Variant type: single nucleotide variant.
Coding change: c.11299A>T on transcript NM_206933.4 (MANE Select); coding-DNA position 11299, A replaced by T.
Protein change: p.Thr3767Ser; replaces threonine 3767 with serine.
Molecular consequence: missense variant.
Genome position (GRCh38, 1-based): chr1:215,758,685, T>A on the plus strand (A>T on the coding strand, the complement: USH2A is on the minus strand). VCF-style: chr1-215758685-T-A. GRCh37 (hg19) VCF-style: chr1-215932027-T-A.
Other names: short protein forms T3767S.
Identifiers: ClinVar variation 966349 (VCV000966349.10), dbSNP rs1289393326, ClinGen allele CA344820807.

ClinVar aggregate classification (germline): Uncertain significance. Review status: criteria provided, multiple submitters, no conflicts (2 of 4 stars). 6 submissions from 5 submitters: Uncertain significance (5). 1 of the submissions does not count toward it. Last evaluated 2025-11-25.

Conditions:
Retinitis pigmentosa 39 (RP39). Identifiers: Orphanet 791, MedGen C3151138, MONDO:0013436, OMIM 613809.
Usher syndrome type 2A. Also called: RETINAL DISEASE IN USHER SYNDROME TYPE IIA, MODIFIER OF; USHER SYNDROME, TYPE IIA. Identifiers: Orphanet 231178, Orphanet 886, MedGen C1848634, MONDO:0010169, OMIM 276901.

Allele frequency attached by ClinVar (database versions not stated): gnomAD exomes below 0.00001; gnomAD 0.00001; TOPMed 0.00001.
gnomAD v4.1: 2 of 1,613,822 alleles (0.00012%); highest among the groups gnomAD compares: Non-Finnish European, 0.00017%; no homozygotes.

Submissions (6):

Labcorp Genetics (formerly Invitae), Labcorp
Classification: Uncertain significance. Last evaluated: 2025-11-25. Review status: criteria provided, single submitter. Criteria: Invitae Variant Classification Sherloc (09022015). Collection method: clinical testing. Allele origin: germline.
Comment: This sequence change replaces threonine, which is neutral and polar, with serine, which is neutral and polar, at codon 3767 of the USH2A protein (p.Thr3767Ser). This variant is not present in population databases (gnomAD no frequency). This missense change has been observed in individual(s) with clinical features of Usher syndrome and/or retinitis pigmentosa (PMID: 34906470; internal data). ClinVar contains an entry for this variant (Variation ID: 966349). Invitae Evidence Modeling of protein sequence and biophysical properties (such as structural, functional, and spatial information, amino acid conservation, physicochemical variation, residue mobility, and thermodynamic stability) has been performed for this missense variant. However, the output from this modeling did not meet the statistical confidence thresholds required to predict the impact of this variant on USH2A protein function. In summary, the available evidence is currently insufficient to determine the role of this variant in disease. Therefore, it has been classified as a Variant of Uncertain Significance.

Genome-Nilou Lab
Classification: Uncertain significance for Retinitis pigmentosa 39. Last evaluated: 2023-11-04. Review status: criteria provided, single submitter. Criteria: ACMG Guidelines, 2015. Collection method: clinical testing. Allele origin: germline. Affected: no.

Genome-Nilou Lab
Classification: Uncertain significance for Usher syndrome type 2A. Last evaluated: 2023-11-04. Review status: criteria provided, single submitter. Criteria: ACMG Guidelines, 2015. Collection method: clinical testing. Allele origin: germline. Affected: no.

Blueprint Genetics
Classification: Uncertain significance. Last evaluated: 2023-10-10. Review status: criteria provided, single submitter. Criteria: ACMG Guidelines, 2015. Collection method: clinical testing. Allele origin: germline.

Ocular Genomics Institute, Massachusetts Eye and Ear
Classification: Uncertain significance for Retinitis pigmentosa 39. Last evaluated: 2021-04-08. Review status: criteria provided, single submitter. Criteria: ACMG Guidelines, 2015. Collection method: research. Allele origin: germline. Affected: yes.
Comment: Through a review of available evidence we were able to apply the following criteria: PM2. Based on this evidence we have classified this variant as Variant of Uncertain Significance.

Natera, Inc.
Classification: Uncertain significance for Usher syndrome type 2A. Last evaluated: 2025-03-03. Review status: no assertion criteria provided. Collection method: clinical testing. Allele origin: germline. Not counted in ClinVar's aggregate classification.

Literature cited by the submitters: PubMed 34906470 (cited by Labcorp Genetics (formerly Invitae), Labcorp).